The following is an entry in ClinVar:

ClinVar aggregate classification (germline): Uncertain significance. Review status: criteria provided, multiple submitters, no conflicts (2 of 4 stars). 5 submissions from 3 submitters: Uncertain significance (5). Last evaluated 2021-09-03.

Conditions:
Charcot-Marie-Tooth disease axonal type 2X. Also called: CHARCOT-MARIE-TOOTH DISEASE, AXONAL, AUTOSOMAL RECESSIVE, TYPE 2X; CHARCOT-MARIE-TOOTH NEUROPATHY, TYPE 2X. Identifiers: Orphanet 466775, MedGen C5569024, MONDO:0014726, OMIM 616668.
Hereditary spastic paraplegia 11. Also called: Nakamura Osame syndrome; Autosomal recessive hereditary spastic paraplegia, mental impairment, and thin corpus callosum; Spastic paraplegia, mental retardation and thin corpus callosum; SPASTIC PARAPLEGIA, AUTOSOMAL RECESSIVE, COMPLICATED, WITH THIN CORPUS CALLOSUM; SPASTIC PARAPLEGIA, AUTOSOMAL RECESSIVE, WITH MENTAL IMPAIRMENT AND THIN CORPUS CALLOSUM; Spastic Paraplegia 11. Identifiers: Orphanet 2822, MedGen C1858479, MONDO:0011445, OMIM 604360.
Amyotrophic lateral sclerosis type 5 (ALS5). Also called: AMYOTROPHIC LATERAL SCLEROSIS 5, JUVENILE. Identifiers: Orphanet 300605, MedGen C1865864, MONDO:0011196, OMIM 602099.

Allele frequency attached by ClinVar (database versions not stated): gnomAD exomes below 0.00001; TOPMed below 0.00001; ExAC 0.00001; gnomAD 0.00001; ESP Exome Variant Server 0.00008.
gnomAD v4.1: 4 of 1,613,946 alleles (0.00025%); highest among the groups gnomAD compares: Non-Finnish European, 0.00034%; no homozygotes.

Submissions (5):

Labcorp Genetics (formerly Invitae), Labcorp
Classification: Uncertain significance for Hereditary spastic paraplegia 11. Last evaluated: 2021-09-03. Review status: criteria provided, single submitter. Criteria: Invitae Variant Classification Sherloc (09022015). Collection method: clinical testing. Allele origin: germline.
Comment: This sequence change replaces serine with glycine at codon 1138 of the SPG11 protein (p.Ser1138Gly). The serine residue is moderately conserved and there is a small physicochemical difference between serine and glycine. This variant is present in population databases (rs377351819, ExAC 0.001%). This variant has not been reported in the literature in individuals affected with SPG11-related conditions. ClinVar contains an entry for this variant (Variation ID: 886646). Algorithms developed to predict the effect of missense changes on protein structure and function output the following: SIFT: "Tolerated"; PolyPhen-2: "Possibly Damaging"; Align-GVGD: "Class C0". The glycine amino acid residue is found in multiple mammalian species, which suggests that this missense change does not adversely affect protein function. In summary, the available evidence is currently insufficient to determine the role of this variant in disease. Therefore, it has been classified as a Variant of Uncertain Significance.

Illumina Laboratory Services, Illumina
Classification: Uncertain significance for Hereditary spastic paraplegia 11. Last evaluated: 2018-01-13. Review status: criteria provided, single submitter. Criteria: ICSL Variant Classification Criteria 13 December 2019. Collection method: clinical testing. Allele origin: germline.

Genome-Nilou Lab
Classification: Uncertain significance for Amyotrophic lateral sclerosis type 5. Review status: criteria provided, single submitter. Criteria: ACMG Guidelines, 2015. Collection method: clinical testing. Allele origin: germline.

Genome-Nilou Lab
Classification: Uncertain significance for Charcot-Marie-Tooth disease axonal type 2X. Review status: criteria provided, single submitter. Criteria: ACMG Guidelines, 2015. Collection method: clinical testing. Allele origin: germline.

Genome-Nilou Lab
Classification: Uncertain significance for Hereditary spastic paraplegia 11. Review status: criteria provided, single submitter. Criteria: ACMG Guidelines, 2015. Collection method: clinical testing. Allele origin: germline.

NM_025137.4(SPG11):c.3412A>G (p.Ser1138Gly)

Gene: SPG11 (SPG11 vesicle trafficking associated, spatacsin; minus strand). Cytogenetic location: 15q21.1.
Variant type: single nucleotide variant.
Coding change: c.3412A>G on transcript NM_025137.4 (MANE Select); coding-DNA position 3412, A replaced by G.
Protein change: p.Ser1138Gly; replaces serine 1138 with glycine.
Molecular consequence: missense variant.
Genome position (GRCh38, 1-based): chr15:44,608,485, T>C on the plus strand (A>G on the coding strand, the complement: SPG11 is on the minus strand). VCF-style: chr15-44608485-T-C. GRCh37 (hg19) VCF-style: chr15-44900683-T-C.
Other names: c.3412A>G, p.Ser1138Gly (NM_001160227.2); short protein forms S1138G.
Identifiers: ClinVar variation 886646 (VCV000886646.11), dbSNP rs377351819, ClinGen allele CA7534989.